The following is an entry in ClinVar:

ClinVar aggregate classification (germline): Uncertain significance. Review status: criteria provided, multiple submitters, no conflicts (2 of 4 stars). 2 submissions from 2 submitters: Uncertain significance (2). Last evaluated 2025-02-20.

Allele frequency attached by ClinVar (database versions not stated): gnomAD 0.00002; TOPMed 0.00004; ESP Exome Variant Server 0.00008.
gnomAD v4.1: 8 of 1,614,056 alleles (0.0005%); highest among the groups gnomAD compares: Non-Finnish European, 0.00059%; no homozygotes.

Submissions (2):

GeneDx
Classification: Uncertain significance. Last evaluated: 2025-02-20. Review status: criteria provided, single submitter. Criteria: GeneDx Variant Classification Process June 2021. Collection method: clinical testing. Allele origin: germline. Affected: yes.
Comment: Not observed at significant frequency in large population cohorts (gnomAD); In silico analysis supports that this missense variant has a deleterious effect on protein structure/function; Has not been previously published as pathogenic or benign to our knowledge

Ambry Genetics
Classification: Uncertain significance. Last evaluated: 2024-03-08. Review status: criteria provided, single submitter. Criteria: Ambry Variant Classification Scheme 2023. Collection method: clinical testing. Allele origin: germline.

NM_005548.3(KARS1):c.636G>A (p.Met212Ile)

Gene: KARS1 (lysyl-tRNA synthetase 1; minus strand). Cytogenetic location: 16q23.1.
Variant type: single nucleotide variant.
Coding change: c.636G>A on transcript NM_005548.3 (MANE Select); coding-DNA position 636, G replaced by A.
Protein change: p.Met212Ile; replaces methionine 212 with isoleucine.
Molecular consequence: missense variant.
Genome position (GRCh38, 1-based): chr16:75,635,945, C>T on the plus strand (G>A on the coding strand, the complement: KARS1 is on the minus strand). VCF-style: chr16-75635945-C-T. GRCh37 (hg19) VCF-style: chr16-75669843-C-T.
Other names: c.720G>A, p.Met240Ile (NM_001130089.2); c.168G>A, p.Met56Ile (NM_001378148.1); short protein forms M212I, M240I, M56I.
Identifiers: ClinVar variation 3112701 (VCV003112701.2), dbSNP rs138927699, ClinGen allele CA284322244.